The following is an entry in ClinVar:

ClinVar aggregate classification (germline): Benign/Likely benign. Review status: criteria provided, multiple submitters, no conflicts (2 of 4 stars). 3 submissions from 3 submitters: Benign (1); Likely benign (2). Last evaluated 2025-09-14.

Conditions:
Hereditary cancer-predisposing syndrome. Also called: Tumor predisposition; Hereditary neoplastic syndrome; Hereditary Cancer Syndrome; Neoplastic Syndromes, Hereditary. Identifiers: Orphanet 140162, MedGen C0027672, MeSH D009386, MONDO:0015356.
Peutz-Jeghers syndrome (PJS). Also called: POLYPOSIS, HAMARTOMATOUS INTESTINAL; POLYPS-AND-SPOTS SYNDROME; Peutz-Jeghers polyposis; Periorificial lentiginosis syndrome. Identifiers: Orphanet 2869, MedGen C0031269, MeSH D010580, MONDO:0008280, OMIM 175200.

Submissions (3):

Color Diagnostics, LLC DBA Color Health
Classification: Likely benign for Hereditary cancer-predisposing syndrome. Last evaluated: 2025-09-14. Review status: criteria provided, single submitter. Criteria: ACMG Guidelines, 2015. Collection method: clinical testing. Allele origin: germline.

Myriad Genetics, Inc.
Classification: Benign for Peutz-Jeghers syndrome. Last evaluated: 2025-03-28. Review status: criteria provided, single submitter. Criteria: Myriad Autosomal Dominant, Autosomal Recessive and X-Linked Classification Criteria (2023). Collection method: clinical testing. Allele origin: unknown.
Comment: This variant is considered benign. This variant is a silent/synonymous amino acid change and it is not expected to impact splicing.

Labcorp Genetics (formerly Invitae), Labcorp
Classification: Likely benign for Peutz-Jeghers syndrome. Last evaluated: 2024-10-26. Review status: criteria provided, single submitter. Criteria: Invitae Variant Classification Sherloc (09022015). Collection method: clinical testing. Allele origin: germline.

NM_000455.5(STK11):c.999C>T (p.Arg333=)

Genes: STK11 (serine/threonine kinase 11; plus strand), LOC130062899 (ATAC-STARR-seq lymphoblastoid active region 13597; plus strand). Cytogenetic location: 19p13.3.
Variant type: single nucleotide variant.
Coding change: c.999C>T on transcript NM_000455.5 (MANE Select); coding-DNA position 999, C replaced by T.
Protein change: p.Arg333=; no amino-acid change (arginine 333 retained).
Molecular consequence: synonymous variant. On other transcripts: non-coding transcript variant (1).
Genome position (GRCh38, 1-based): chr19:1,223,063, C>T. VCF-style: chr19-1223063-C-T. GRCh37 (hg19) VCF-style: chr19-1223062-C-T.
Other names: c.999C>T, p.Arg333= (NM_001407255.1).
Identifiers: ClinVar variation 3693152 (VCV003693152.4).